The following is an entry in ClinVar:

ClinVar aggregate classification (germline): Benign/Likely benign. Review status: criteria provided, multiple submitters, no conflicts (2 of 4 stars). 14 submissions from 14 submitters: Benign (10); Likely benign (1). 3 of the submissions do not count toward it. Last evaluated 2026-02-04.

Conditions:
Familial thoracic aortic aneurysm and aortic dissection (TAAD). Also called: Thoracic aortic aneurysms and dissections. Identifiers: Orphanet 91387, MedGen C4707243, MONDO:0019625.
Shprintzen-Goldberg syndrome (SGS). Also called: Marfanoid disorder with craniosynostosis type 1; Marfanoid craniosynostosis syndrome; Shprintzen-Goldberg marfanoid syndrome; SHPRINTZEN-GOLDBERG CRANIOSYNOSTOSIS SYNDROME; CRANIOSYNOSTOSIS WITH ARACHNODACTYLY AND ABDOMINAL HERNIAS. Identifiers: Orphanet 2462, MedGen C1321551, MONDO:0008426, OMIM 182212.

Allele frequency attached by ClinVar (database versions not stated): 1000 Genomes Project 30x 0.04372; 1000 Genomes Project 0.04573; gnomAD 0.05253 and 0.05326; TOPMed 0.05444; gnomAD exomes 0.08768; ExAC 0.09197.
gnomAD v4.1: 98,247 of 1,396,788 alleles (7%); highest among the groups gnomAD compares: Middle Eastern, 13%; 3,804 homozygotes.

Submissions (14):

Labcorp Genetics (formerly Invitae), Labcorp
Classification: Benign for Shprintzen-Goldberg syndrome. Last evaluated: 2026-02-04. Review status: criteria provided, single submitter. Criteria: Invitae Variant Classification Sherloc (09022015). Collection method: clinical testing. Allele origin: germline.

ARUP Laboratories, Molecular Genetics and Genomics, ARUP Laboratories
Classification: Benign for Shprintzen-Goldberg syndrome. Last evaluated: 2025-07-29. Review status: criteria provided, single submitter. Criteria: ARUP Molecular Germline Variant Investigation Process 2024. Collection method: clinical testing. Allele origin: germline.

Blueprint Genetics
Classification: Benign. Last evaluated: 2024-11-26. Review status: criteria provided, single submitter. Criteria: ACMG Guidelines, 2015. Collection method: clinical testing. Allele origin: germline.

Women's Health and Genetics/Laboratory Corporation of America, LabCorp
Classification: Likely benign. Last evaluated: 2023-04-04. Review status: criteria provided, single submitter. Criteria: LabCorp Variant Classification Summary - May 2015. Collection method: clinical testing. Allele origin: germline.

Genome-Nilou Lab
Classification: Benign for Shprintzen-Goldberg syndrome. Last evaluated: 2021-07-14. Review status: criteria provided, single submitter. Criteria: ACMG Guidelines, 2015. Collection method: clinical testing. Allele origin: germline. Affected: no.

Ambry Genetics
Classification: Benign for Familial thoracic aortic aneurysm and aortic dissection. Last evaluated: 2014-12-30. Review status: criteria provided, single submitter. Criteria: Ambry Variant Classification Scheme 2023. Collection method: clinical testing. Allele origin: germline.

Laboratory for Molecular Medicine, Mass General Brigham Personalized Medicine
Classification: Benign. Last evaluated: 2014-11-24. Review status: criteria provided, single submitter. Criteria: LMM Criteria. Collection method: clinical testing. Allele origin: germline. Observed: 4 variant alleles.
Comment: Ala62Gly in exon 1 of SKI: This variant is not expected to have clinical signifi cance because it has been identified in 10.6% (14/132) of Mexican chromosomes fr om a broad population by the 1000 Genomes Project (rojects/SNP; dbSNP rs28384811).

GeneDx
Classification: Benign. Last evaluated: 2014-05-16. Review status: criteria provided, single submitter. Criteria: GeneDx Variant Classification (06012015). Collection method: clinical testing. Allele origin: germline. Affected: yes.
Comment: This variant is considered likely benign or benign based on one or more of the following criteria: it is a conservative change, it occurs at a poorly conserved position in the protein, it is predicted to be benign by multiple in silico algorithms, and/or has population frequency not consistent with disease.

Mayo Clinic Laboratories, Mayo Clinic
Classification: Benign. Last evaluated: 2014-02-14. Review status: criteria provided, single submitter. Criteria: ACMG Guidelines, 2015. Collection method: clinical testing. Allele origin: germline. Observed: 170 variant alleles.

Breakthrough Genomics
Classification: Benign. Review status: criteria provided, single submitter. Criteria: ACMG Guidelines, 2015. Collection method: not provided. Allele origin: germline. Inheritance: Autosomal dominant inheritance. Affected: yes.

PreventionGenetics, part of Exact Sciences
Classification: Benign. Review status: criteria provided, single submitter. Criteria: ACMG Guidelines, 2015. Collection method: clinical testing. Allele origin: germline.

Genome Diagnostics Laboratory, Amsterdam University Medical Center
Classification: Benign. Review status: no assertion criteria provided. Collection method: clinical testing. Allele origin: germline. Affected: yes. Study: VKGL Data-share Consensus. Not counted in ClinVar's aggregate classification.

Genome Diagnostics Laboratory, University Medical Center Utrecht
Classification: Likely benign. Review status: no assertion criteria provided. Collection method: clinical testing. Allele origin: germline. Affected: yes. Study: VKGL Data-share Consensus. Not counted in ClinVar's aggregate classification.

Laboratory of Diagnostic Genome Analysis, Leiden University Medical Center (LUMC)
Classification: Likely benign. Review status: no assertion criteria provided. Collection method: clinical testing. Allele origin: germline. Affected: yes. Study: VKGL Data-share Consensus. Not counted in ClinVar's aggregate classification.

NM_003036.4(SKI):c.185C>G (p.Ala62Gly)

Gene: SKI (SKI proto-oncogene; plus strand). Cytogenetic location: 1p36.33.
Variant type: single nucleotide variant.
Coding change: c.185C>G on transcript NM_003036.4 (MANE Select); coding-DNA position 185, C replaced by G.
Protein change: p.Ala62Gly; replaces alanine 62 with glycine.
Molecular consequence: missense variant.
Genome position (GRCh38, 1-based): chr1:2,228,951, C>G. VCF-style: chr1-2228951-C-G. GRCh37 (hg19) VCF-style: chr1-2160390-C-G.
Other names: p.A62G:GCG>GGG; short protein forms A62G.
Identifiers: ClinVar variation 139113 (VCV000139113.44), dbSNP rs28384811, ClinGen allele CA293491.